The following is an entry in ClinVar:

NM_000392.5(ABCC2):c.2273G>T (p.Gly758Val)

Gene: ABCC2 (ATP binding cassette subfamily C member 2; plus strand). Cytogenetic location: 10q24.2.
Variant type: single nucleotide variant.
Coding change: c.2273G>T on transcript NM_000392.5 (MANE Select); coding-DNA position 2273, G replaced by T.
Protein change: p.Gly758Val; replaces glycine 758 with valine.
Molecular consequence: missense variant.
Genome position (GRCh38, 1-based): chr10:99,818,791, G>T. VCF-style: chr10-99818791-G-T. GRCh37 (hg19) VCF-style: chr10-101578548-G-T.
Other names: c.2273G>T, p.Gly758Val (LRG_1208t1); short protein forms G758V.
Identifiers: ClinVar variation 191014 (VCV000191014.33), dbSNP rs786205465, ClinGen allele CA235819.

ClinVar aggregate classification (germline): Conflicting classifications of pathogenicity. Review status: criteria provided, conflicting classifications (1 of 4 stars). 10 submissions from 9 submitters: Pathogenic (2); Likely pathogenic (2); Uncertain significance (3). 3 of the submissions do not count toward it. Last evaluated 2025-07-26.

Conditions:
Dubin-Johnson syndrome (DJS). Also called: Jaundice, Chronic Idiopathic; HYPERBILIRUBINEMIA, DUBIN-JOHNSON TYPE; Hyperbilirubinemia type 2. Identifiers: Orphanet 234, MedGen C0022350, MONDO:0009380, OMIM 237500.

Allele frequency attached by ClinVar (database versions not stated): gnomAD exomes below 0.00001.
gnomAD v4.1: 1 of 1,614,034 alleles (0.000062%); highest among the groups gnomAD compares: Non-Finnish European, 0.000085%; no homozygotes.

Submissions (10):

GeneDx
Classification: Likely pathogenic. Last evaluated: 2025-07-26. Review status: criteria provided, single submitter. Criteria: GeneDx Variant Classification Process June 2021. Collection method: clinical testing. Allele origin: germline. Affected: yes.
Comment: Not observed at significant frequency in large population cohorts (gnomAD); In silico analysis supports that this missense variant has a deleterious effect on protein structure/function; This variant is associated with the following publications: (PMID: 27124789, 28039895, 31130284, 35692971, 37644014, 35351341, 38108658, 34858902, 31544333)

Women's Health and Genetics/Laboratory Corporation of America, LabCorp
Classification: Pathogenic for Dubin-Johnson syndrome. Last evaluated: 2024-12-26. Review status: criteria provided, single submitter. Criteria: LabCorp Variant Classification Summary - May 2015. Collection method: clinical testing. Allele origin: germline.
Comment: Variant summary: ABCC2 c.2273G>T (p.Gly758Val) results in a non-conservative amino acid change in the encoded protein sequence. Four of five in-silico tools predict a damaging effect of the variant on protein function. Several computational tools predict a significant impact on normal splicing: Four predict the variant no significant impact on splicing. Two predict the variant creates a 5' donor site. However, these predictions have yet to be confirmed by functional studies. The variant allele was found at a frequency of 4e-06 in 251268 control chromosomes. c.2273G>T has been reported in the literature in multiple individuals affected with Dubin-Johnson Syndrome (e.g. Al-Hussaini_2021, Corpechot_2020) . These data indicate that the variant is very likely to be associated with disease. To our knowledge, no experimental evidence demonstrating an impact on protein function has been reported. The following publications have been ascertained in the context of this evaluation (PMID: 27124789, 34858902, 31544333). ClinVar contains an entry for this variant (Variation ID: 191014). Based on the evidence outlined above, the variant was classified as pathogenic.

Genomic Medicine Center of Excellence, King Faisal Specialist Hospital and Research Centre
Classification: Likely pathogenic for Dubin-Johnson syndrome. Last evaluated: 2024-03-25. Review status: criteria provided, single submitter. Criteria: ACMG Guidelines, 2015. Collection method: clinical testing. Allele origin: germline.

Baylor Genetics
Classification: Pathogenic for Dubin-Johnson syndrome. Last evaluated: 2020-07-27. Review status: criteria provided, single submitter. Criteria: ACMG Guidelines, 2015. Collection method: clinical testing. Allele origin: unknown. Affected: yes.
Comment: This variant was determined to be pathogenic according to ACMG Guidelines, 2015 [PMID:25741868].

Fulgent Genetics
Classification: Uncertain significance for Dubin-Johnson syndrome. Last evaluated: 2018-10-31. Review status: criteria provided, single submitter. Criteria: ACMG Guidelines, 2015. Collection method: clinical testing. Allele origin: unknown.

Illumina Laboratory Services, Illumina
Classification: Uncertain significance for Dubin-Johnson syndrome. Last evaluated: 2018-01-13. Review status: criteria provided, single submitter. Criteria: ICSL Variant Classification Criteria 13 December 2019. Collection method: clinical testing. Allele origin: germline.

Eurofins Ntd Llc (ga)
Classification: Uncertain significance. Last evaluated: 2017-03-07. Review status: criteria provided, single submitter. Criteria: EGL Classification Definitions 2015. Collection method: clinical testing. Allele origin: germline. Observed: 1 variant allele, 1 homozygote.

Clinical Laboratory Sciences Program (CLSP), King Saud bin Abdulaziz University for Health Sciences (KSAU-HS)
Classification: Likely pathogenic for Dubin-Johnson syndrome. Last evaluated: 2023-04-01. Review status: no assertion criteria provided. Collection method: clinical testing. Allele origin: germline. Affected: yes. Not counted in ClinVar's aggregate classification.

Biochemical Molecular Genetic Laboratory, King Abdulaziz Medical City
Classification: Pathogenic for Dubin-Johnson syndrome. Last evaluated: 2018-04-25. Review status: no assertion criteria provided. Collection method: clinical testing. Allele origin: germline. Affected: yes. Not counted in ClinVar's aggregate classification.

Genomic Medicine Center of Excellence, King Faisal Specialist Hospital and Research Centre
Classification: Likely pathogenic. Review status: flagged submission. Criteria: ACMG Guidelines, 2015. Collection method: research. Allele origin: germline. Affected: yes. Not counted in ClinVar's aggregate classification.
ClinVar note: Reason: This record appears to be redundant with a more recent record from the same submitter.
ClinVar note: Notes: SCV000221386 appears to be redundant with SCV004806048.

Literature cited by the submitters: PubMed 27124789 (cited by Women's Health and Genetics/Laboratory Corporation of America, LabCorp); PubMed 34858902 (cited by Women's Health and Genetics/Laboratory Corporation of America, LabCorp); PubMed 31544333 (cited by Women's Health and Genetics/Laboratory Corporation of America, LabCorp).